The following is an entry in ClinVar:

NM_017757.3(ZNF407):c.4877+22522G>A

Gene: ZNF407 (zinc finger protein 407; plus strand). Cytogenetic location: 18q22.3.
Variant type: single nucleotide variant.
Coding change: c.4877+22522G>A on transcript NM_017757.3 (MANE Select); 22522 bases into the intron after coding-DNA position 4877, G replaced by A.
Molecular consequence: intron variant. On other transcripts: synonymous variant (1).
Genome position (GRCh38, 1-based): chr18:74,804,024, G>A. VCF-style: chr18-74804024-G-A. GRCh37 (hg19) VCF-style: chr18-72515980-G-A.
Other names: c.4938G>A, p.Ala1646= (NM_001146190.1); c.4877+22522G>A (NM_001384475.1, NM_001146189.1).
Identifiers: ClinVar variation 3035709 (VCV003035709.6), dbSNP rs147200002, ClinGen allele CA9000968.
Genomic context (GRCh38, chr18:74,804,024, plus strand): 5'-AGTAAAGGTTGCATATCGAAAGATCGGGACGTTGCCAGGAATACAGAACAACAGGAACGC[G>A]TCGAGTGCCTCTGAAGCCCAAAGTCTTTGTGAGCACTTTTCATAACTGATGGGACCTGCA-3'

ClinVar aggregate classification (germline): Likely benign. Review status: criteria provided, single submitter (1 of 4 stars). 2 submissions from 2 submitters: Likely benign (1). 1 of the submissions does not count toward it. Last evaluated 2026-03-01.

Conditions:
ZNF407-related disorder. Also called: ZNF407-related condition.

Allele frequency attached by ClinVar (database versions not stated): gnomAD exomes 0.00034; ExAC 0.00119; ESP Exome Variant Server 0.00285; gnomAD 0.00337; 1000 Genomes Project 0.00339; TOPMed 0.00382; 1000 Genomes Project 30x 0.00422.
gnomAD v4.1: 1,015 of 1,551,738 alleles (0.065%); highest among the groups gnomAD compares: African/African-American, 1.1%; 4 homozygotes.

Submissions (2):

CeGaT Center for Human Genetics Tuebingen
Classification: Likely benign. Last evaluated: 2026-03-01. Review status: criteria provided, single submitter. Criteria: CeGaT Center For Human Genetics Tuebingen Variant Classification Criteria Version 2. Collection method: clinical testing. Allele origin: germline. Affected: yes. Observed: 1 variant allele.
Comment: ZNF407: BP4, BP7, BS1

PreventionGenetics, part of Exact Sciences
Classification: Benign for ZNF407-related condition. Last evaluated: 2019-08-09. Review status: no assertion criteria provided. Collection method: clinical testing. Allele origin: germline. Not counted in ClinVar's aggregate classification.
Comment: This variant is classified as benign based on ACMG/AMP sequence variant interpretation guidelines (Richards et al. 2015 PMID: 25741868, with internal and published modifications).